The following is an entry in ClinVar:

ClinVar aggregate classification (germline): Likely pathogenic (1 of 4 stars; one submission).

Conditions:
KDM6A-related disorder. Also called: KDM6A-related condition.

Submission:

PreventionGenetics, part of Exact Sciences
Classification: Likely pathogenic for KDM6A-related condition. Last evaluated: 2022-11-21. Review status: criteria provided, single submitter. Criteria: ACMG Guidelines, 2015. Collection method: clinical testing. Allele origin: germline.
Comment: The KDM6A c.1813G>T variant is predicted to result in premature protein termination (p.Gly605*). To our knowledge, this variant has not been reported in the literature or in a large population database, indicating this variant is rare. Nonsense variants in KDM6A are expected to be pathogenic. This variant is interpreted as likely pathogenic.

NM_001291415.2(KDM6A):c.1969G>T (p.Gly657Ter)

Gene: KDM6A (lysine demethylase 6A; plus strand). Cytogenetic location: Xp11.3.
Variant type: single nucleotide variant.
Coding change: c.1969G>T on transcript NM_001291415.2 (MANE Select); coding-DNA position 1969, G replaced by T.
Protein change: p.Gly657Ter; replaces glycine 657 with a stop codon.
Molecular consequence: nonsense. On other transcripts: non-coding transcript variant (1).
Genome position (GRCh38, 1-based): chrX:45,063,707, G>T. VCF-style: chrX-45063707-G-T. GRCh37 (hg19) VCF-style: chrX-44922952-G-T.
Other names: c.1834G>T, p.Gly612Ter (NM_001291416.2, NM_001419811.1); c.1678G>T, p.Gly560Ter (NM_001291417.2); c.1576G>T, p.Gly526Ter (NM_001291418.2, NM_001419815.1); c.925G>T, p.Gly309Ter (NM_001291421.2); c.1711G>T, p.Gly571Ter (NM_001410742.1, NM_001419814.1); c.1969G>T, p.Gly657Ter (NM_001419809.1); c.1867G>T, p.Gly623Ter (NM_001419810.1, NM_001419813.1); c.1813G>T, p.Gly605Ter (NM_001419812.1, NM_021140.4); short protein forms G309*, G526*, G560*, G571*, G605*, G612*, G623*, G657*.
Identifiers: ClinVar variation 2635547 (VCV002635547.1), dbSNP rs2147997359, ClinGen allele CA412790178.